The following is an entry in ClinVar:

NM_005921.2(MAP3K1):c.485G>A (p.Arg162His)

Gene: MAP3K1 (mitogen-activated protein kinase kinase kinase 1; plus strand). Cytogenetic location: 5q11.2.
Variant type: single nucleotide variant.
Coding change: c.485G>A on transcript NM_005921.2 (MANE Select); coding-DNA position 485, G replaced by A.
Protein change: p.Arg162His; replaces arginine 162 with histidine.
Molecular consequence: missense variant.
Genome position (GRCh38, 1-based): chr5:56,856,602, G>A. VCF-style: chr5-56856602-G-A. GRCh37 (hg19) VCF-style: chr5-56152429-G-A.
Other names: short protein forms R162H.
Identifiers: ClinVar variation 3657507 (VCV003657507.2).

ClinVar aggregate classification (germline): Uncertain significance (1 of 4 stars; one submission).

Conditions:
46,XY sex reversal 6. Also called: 46,XY SEX REVERSAL, PARTIAL OR COMPLETE, MAP3K1-RELATED; 46,XY GONADAL DYSGENESIS, PARTIAL OR COMPLETE, MAP3K1-RELATED. Identifiers: MedGen C3151064, MONDO:0013410, OMIM 613762.

gnomAD v4.1: 47 of 1,612,268 alleles (0.0029%); highest among the groups gnomAD compares: Middle Eastern, 0.016%; no homozygotes.

Submission:

Labcorp Genetics (formerly Invitae), Labcorp
Classification: Uncertain significance for 46,XY sex reversal 6. Last evaluated: 2024-12-10. Review status: criteria provided, single submitter. Criteria: Invitae Variant Classification Sherloc (09022015). Collection method: clinical testing. Allele origin: germline.
Comment: This sequence change replaces arginine, which is basic and polar, with histidine, which is basic and polar, at codon 162 of the MAP3K1 protein (p.Arg162His). This variant is present in population databases (rs747333403, gnomAD 0.01%), including at least one homozygous and/or hemizygous individual. This variant has not been reported in the literature in individuals affected with MAP3K1-related conditions. An algorithm developed to predict the effect of missense changes on protein structure and function (PolyPhen-2) suggests that this variant is likely to be disruptive. In summary, the available evidence is currently insufficient to determine the role of this variant in disease. Therefore, it has been classified as a Variant of Uncertain Significance.